The following is an entry in ClinVar:

ClinVar aggregate classification (germline): Uncertain significance. Review status: criteria provided, multiple submitters, no conflicts (2 of 4 stars). 2 submissions from 2 submitters: Uncertain significance (2). Last evaluated 2025-04-21.

Conditions:
Inborn genetic diseases. Identifiers: MedGen C0950123, MeSH D030342.

gnomAD v4.1: 39 of 1,614,022 alleles (0.0024%); highest among the groups gnomAD compares: East Asian, 0.0045%; no homozygotes.

Submissions (2):

Ambry Genetics
Classification: Uncertain significance for Inborn genetic diseases. Last evaluated: 2025-04-21. Review status: criteria provided, single submitter. Criteria: Ambry Variant Classification Scheme 2023. Collection method: clinical testing. Allele origin: germline.

Labcorp Genetics (formerly Invitae), Labcorp
Classification: Uncertain significance. Last evaluated: 2024-06-05. Review status: criteria provided, single submitter. Criteria: Invitae Variant Classification Sherloc (09022015). Collection method: clinical testing. Allele origin: germline.
Comment: This sequence change replaces aspartic acid, which is acidic and polar, with asparagine, which is neutral and polar, at codon 922 of the LONP1 protein (p.Asp922Asn). This variant is present in population databases (rs139476430, gnomAD 0.007%). This variant has not been reported in the literature in individuals affected with LONP1-related conditions. Advanced modeling of protein sequence and biophysical properties (such as structural, functional, and spatial information, amino acid conservation, physicochemical variation, residue mobility, and thermodynamic stability) performed at Invitae indicates that this missense variant is not expected to disrupt LONP1 protein function with a negative predictive value of 80%. In summary, the available evidence is currently insufficient to determine the role of this variant in disease. Therefore, it has been classified as a Variant of Uncertain Significance.

NM_004793.4(LONP1):c.2764G>A (p.Asp922Asn)

Gene: LONP1 (lon peptidase 1, mitochondrial; minus strand). Cytogenetic location: 19p13.3.
Variant type: single nucleotide variant.
Coding change: c.2764G>A on transcript NM_004793.4 (MANE Select); coding-DNA position 2764, G replaced by A.
Protein change: p.Asp922Asn; replaces aspartic acid 922 with asparagine.
Molecular consequence: missense variant. On other transcripts: non-coding transcript variant (1).
Genome position (GRCh38, 1-based): chr19:5,692,148, C>T on the plus strand (G>A on the coding strand, the complement: LONP1 is on the minus strand). VCF-style: chr19-5692148-C-T. GRCh37 (hg19) VCF-style: chr19-5692159-C-T.
Other names: c.2572G>A, p.Asp858Asn (NM_001276479.2); c.2176G>A, p.Asp726Asn (NM_001276480.1); c.2764G>A (NM_004793.2); short protein forms D922N, D858N, D726N.
Identifiers: ClinVar variation 2991718 (VCV002991718.4), dbSNP rs139476430, ClinGen allele CA9113962.
Genomic context (GRCh38, chr19:5,692,148, plus strand): 5'-TCTCCCGGTAGTGTTCCACGAAGTGCACCTCCAGGCCCTCGGTGATGAAGGCTGCCAGGT[C>T]GTAGAAGTCCTTCTTGTTCTCGGCTGGCAGGACGATGCACGTCACCCCTGCGCGCTTGGC-3'
Protein context (NP_004784.2, residues 912-932): LPAENKKDFY[Asp922Asn]LAAFITEGLE